The following is an entry in ClinVar:

ClinVar aggregate classification (germline): Uncertain significance. Review status: criteria provided, multiple submitters, no conflicts (2 of 4 stars). 2 submissions from 2 submitters: Uncertain significance (2). Last evaluated 2025-01-08.

Conditions:
CACNA1G-related disorder. Also called: CACNA1G-related condition; CACNA1G-related disorders.

gnomAD v4.1: 2 of 1,586,340 alleles (0.00013%); highest among the groups gnomAD compares: Non-Finnish European, 0.000086%; no homozygotes.

Submissions (2):

PreventionGenetics, part of Exact Sciences
Classification: Uncertain significance for CACNA1G-related condition. Last evaluated: 2025-01-08. Review status: criteria provided, single submitter. Criteria: ACMG Guidelines, 2015. Collection method: clinical testing. Allele origin: germline.
Comment: The CACNA1G c.5723C>T variant is predicted to result in the amino acid substitution p.Ala1908Val. To our knowledge, this variant has not been reported in the literature or in a large population database (gnomAD), indicating this variant is rare. At this time, the clinical significance of this variant is uncertain due to the absence of conclusive functional and genetic evidence.

GeneDx
Classification: Uncertain significance. Last evaluated: 2024-07-11. Review status: criteria provided, single submitter. Criteria: GeneDx Variant Classification Process June 2021. Collection method: clinical testing. Allele origin: germline. Affected: yes.
Comment: Not observed at significant frequency in large population cohorts (gnomAD); In silico analysis indicates that this missense variant does not alter protein structure/function; Has not been previously published as pathogenic or benign to our knowledge

NM_018896.5(CACNA1G):c.5723C>T (p.Ala1908Val)

Gene: CACNA1G (calcium voltage-gated channel subunit alpha1 G; plus strand). Cytogenetic location: 17q21.33.
Variant type: single nucleotide variant.
Coding change: c.5723C>T on transcript NM_018896.5 (MANE Select); coding-DNA position 5723, C replaced by T.
Protein change: p.Ala1908Val; replaces alanine 1908 with valine.
Molecular consequence: missense variant. On other transcripts: non-coding transcript variant (5).
Genome position (GRCh38, 1-based): chr17:50,618,950, C>T. VCF-style: chr17-50618950-C-T. GRCh37 (hg19) VCF-style: chr17-48696311-C-T.
Other names: c.5669C>T, p.Ala1890Val (NM_001256324.2, NM_198386.3); c.5744C>T, p.Ala1915Val (NM_001256325.2); c.5588C>T, p.Ala1863Val (NM_001256326.2, NM_001256330.2); c.5702C>T, p.Ala1901Val (NM_001256327.2); c.5648C>T, p.Ala1883Val (NM_001256328.2); c.5621C>T, p.Ala1874Val (NM_001256329.2, NM_198376.3, NM_198379.3 and 2 more transcripts); c.5567C>T, p.Ala1856Val (NM_001256331.2); c.5552C>T, p.Ala1851Val (NM_001256332.2); and 7 more; short protein forms A1856V, A1867V, A1881V, A1885V, A1915V, A1874V, A1890V, A1908V.
Identifiers: ClinVar variation 3572501 (VCV003572501.2).